The following is an entry in ClinVar:

ClinVar aggregate classification (germline): Pathogenic/Likely pathogenic. Review status: criteria provided, multiple submitters, no conflicts (2 of 4 stars). 4 submissions from 4 submitters: Pathogenic (1); Likely pathogenic (3). Last evaluated 2025-12-21.

Conditions:
Hereditary cancer-predisposing syndrome. Also called: Neoplastic Syndromes, Hereditary; Hereditary Cancer Syndrome; Tumor predisposition; Hereditary neoplastic syndrome. Identifiers: Orphanet 140162, MedGen C0027672, MeSH D009386, MONDO:0015356.
Familial cancer of breast. Also called: Hereditary breast cancer; BREAST CANCER, FAMILIAL; hereditary breast carcinoma. Identifiers: Orphanet 227535, MedGen C0346153, MONDO:0016419, OMIM 114480. Disease mechanism: loss of function.
Ataxia-telangiectasia syndrome (AT). Also called: LOUIS-BAR SYNDROME; Cerebello-oculocutaneous telangiectasia; Immunodeficiency with ataxia telangiectasia; Ataxia-telangiectasia, complementation group D; AT, COMPLEMENTATION GROUP C; Ataxia-telangiectasia, complementation group E. Identifiers: Orphanet 100, MedGen C0004135, MONDO:0008840, OMIM 208900.

Submissions (4):

Labcorp Genetics (formerly Invitae), Labcorp
Classification: Pathogenic for Ataxia-telangiectasia syndrome. Last evaluated: 2025-12-21. Review status: criteria provided, single submitter. Criteria: Invitae Variant Classification Sherloc (09022015). Collection method: clinical testing. Allele origin: germline.
Comment: This sequence change affects a donor splice site in intron 57 of the ATM gene. RNA analysis indicates that disruption of this splice site induces altered splicing and likely results in a shortened protein product. This variant is not present in population databases (gnomAD no frequency). This variant has not been reported in the literature in individuals affected with ATM-related conditions. ClinVar contains an entry for this variant (Variation ID: 407738). Studies have shown that disruption of this splice site results in skipping of exon 57, but is expected to preserve the integrity of the reading-frame (internal data). Other variant(s) that result in skipping of exon 57 have been determined to be pathogenic (internal data). This suggests that this variant may also be clinically significant and likely to be disease-causing. For these reasons, this variant has been classified as Pathogenic.

Myriad Genetics, Inc.
Classification: Likely pathogenic for Familial cancer of breast. Last evaluated: 2024-02-02. Review status: criteria provided, single submitter. Criteria: Myriad Autosomal Dominant, Autosomal Recessive and X-Linked Classification Criteria (2023). Collection method: clinical testing. Allele origin: unknown.
Comment: This variant is considered likely pathogenic. This variant occurs within a consensus splice junction and is predicted to result in abnormal mRNA splicing of either an out-of-frame exon or an in-frame exon necessary for protein stability and/or normal function.

Quest Diagnostics Nichols Institute San Juan Capistrano
Classification: Likely pathogenic. Last evaluated: 2024-01-25. Review status: criteria provided, single submitter. Criteria: Quest Diagnostics criteria. Collection method: clinical testing. Allele origin: unknown.
Comment: The ATM c.8418+2T>C variant disrupts a canonical splice-donor site and is predicted to interfere with normal ATM mRNA splicing. This variant has not been reported in individuals with ATM-related conditions in the published literature. This variant has not been reported in large, multi-ethnic general populations (Genome Aggregation Database). Based on the available information, this variant is classified as likely pathogenic.

Ambry Genetics
Classification: Likely pathogenic for Hereditary cancer-predisposing syndrome. Last evaluated: 2016-10-26. Review status: criteria provided, single submitter. Criteria: Ambry Variant Classification Scheme 2023. Collection method: clinical testing. Allele origin: germline.
Comment: The c.8418+2T>C intronic variant results from a T to C substitution two nucleotides after coding exon 56 in the ATM gene. This nucleotide position is well conserved in available vertebrate species. Using two different splice site prediction tools, this alteration is predicted by BDGP to abolish the native splice donor site, but is predicted to weaken (but not abolish) the efficiency of the native splice donor site by ESEfinder; however, direct experimental evidence is unavailable. Alterations that disrupt the canonical splice site are expected to cause aberrant splicing, resulting in an abnormal protein or a transcript that is subject to nonsense-mediated mRNA decay. As such, this alteration is classified as likely pathogenic.

NM_000051.4(ATM):c.8418+2T>C

Genes: ATM (ATM serine/threonine kinase; plus strand), C11orf65 (chromosome 11 open reading frame 65; minus strand). Cytogenetic location: 11q22.3.
Variant type: single nucleotide variant.
Coding change: c.8418+2T>C on transcript NM_000051.4 (MANE Select); the canonical splice donor site of the intron after coding-DNA position 8418, T replaced by C.
Molecular consequence: splice donor variant. On other transcripts: intron variant (2).
Genome position (GRCh38, 1-based): chr11:108,343,373, T>C. VCF-style: chr11-108343373-T-C. GRCh37 (hg19) VCF-style: chr11-108214100-T-C.
Other names: c.8418+2T>C (NM_001351834.2); c.641-34302A>G (NM_001330368.2); c.695-8081A>G (NM_001351110.2).
Identifiers: ClinVar variation 407738 (VCV000407738.12), dbSNP rs1060501713, ClinGen allele CA16613510.